The following is an entry in ClinVar:

NC_000017.10:g.(?_63149520)_(63149656_?)dup

Gene: RGS9 (regulator of G protein signaling 9; plus strand). Cytogenetic location: 17q24.1.
Variant type: Duplication.
Identifiers: ClinVar variation 2424775 (VCV002424775.4).

ClinVar aggregate classification (germline): Likely pathogenic (1 of 4 stars; one submission).

Submission:

Labcorp Genetics (formerly Invitae), Labcorp
Classification: Likely pathogenic. Last evaluated: 2022-03-14. Review status: criteria provided, single submitter. Criteria: Invitae Variant Classification Sherloc (09022015). Collection method: clinical testing. Allele origin: germline.
Comment: In summary, the currently available evidence indicates that the variant is pathogenic, but additional data are needed to prove that conclusively. Therefore, this variant has been classified as Likely Pathogenic. This variant has not been reported in the literature in individuals affected with RGS9-related conditions. This variant results in a copy number gain of the genomic region encompassing exon(s) 2 of the RGS9 gene. While the exact position of this variant cannot be determined from the data, sub-genic copy number gains are generally in tandem (PMID: 25640679). This variant is predicted to be out-of-frame, and may result in an absent or disrupted protein product. Loss-of-function variants in RGS9 are known to be pathogenic (PMID: 11262419, 14702087).

Literature cited by the submitters: PubMed 25640679; PubMed 11262419; PubMed 14702087.